The following is an entry in ClinVar:

NM_033026.6(PCLO):c.2243del (p.Pro748fs)

Gene: PCLO (piccolo presynaptic cytomatrix protein; minus strand). Cytogenetic location: 7q21.11.
Variant type: Deletion.
Coding change: c.2243del on transcript NM_033026.6 (MANE Select); coding-DNA position 2243, one base deleted (C; older notation c.2243delC).
Protein change: p.Pro748fs; shifts the reading frame from proline 748.
Molecular consequence: frameshift variant.
Genome position (GRCh38, 1-based): chr7:83,135,307, G deleted on the plus strand (C on the coding strand, the reverse complement: PCLO is on the minus strand); the first of 4 consecutive G bases (chr7:83,135,307-83,135,310); deleting any one gives the same sequence. VCF-style (leftmost placement, unchanged base first): chr7-83135306-AG-A. GRCh37 (hg19) VCF-style: chr7-82764622-AG-A.
Other names: c.2243del, p.Pro748fs (NM_014510.3); short protein forms P748fs.
Identifiers: ClinVar variation 2035200 (VCV002035200.4), dbSNP rs2484838751, ClinGen allele CA2580077427.

ClinVar aggregate classification (germline): Pathogenic (1 of 4 stars; one submission).

Submission:

Labcorp Genetics (formerly Invitae), Labcorp
Classification: Pathogenic. Last evaluated: 2025-10-20. Review status: criteria provided, single submitter. Criteria: Invitae Variant Classification Sherloc (09022015). Collection method: clinical testing. Allele origin: germline.
Comment: This sequence change creates a premature translational stop signal (p.Pro748Leufs*13) in the PCLO gene. It is expected to result in an absent or disrupted protein product. Loss-of-function variants in PCLO are known to be pathogenic (PMID: 25832664, 30287594). This variant is not present in population databases (gnomAD no frequency). This variant has not been reported in the literature in individuals affected with PCLO-related conditions. ClinVar contains an entry for this variant (Variation ID: 2035200). For these reasons, this variant has been classified as Pathogenic.

Literature cited by the submitters: PubMed 25832664; PubMed 30287594.